The following is an entry in ClinVar:

NM_006031.6(PCNT):c.4263C>T (p.Thr1421=)

Gene: PCNT (pericentrin; plus strand). Cytogenetic location: 21q22.3.
Variant type: single nucleotide variant.
Coding change: c.4263C>T on transcript NM_006031.6 (MANE Select); coding-DNA position 4263, C replaced by T.
Protein change: p.Thr1421=; no amino-acid change (threonine 1421 retained).
Molecular consequence: synonymous variant.
Genome position (GRCh38, 1-based): chr21:46,397,311, C>T. VCF-style: chr21-46397311-C-T. GRCh37 (hg19) VCF-style: chr21-47817225-C-T.
Other names: c.4263C>T (NM_006031.5); c.3909C>T, p.Thr1303= (NM_001315529.2).
Identifiers: ClinVar variation 2972759 (VCV002972759.4), dbSNP rs1426784917, ClinGen allele CA513173913.
Genomic context (GRCh38, chr21:46,397,311, plus strand): 5'-GTTTGCATCCTTAGCTCTCCGGAAGGAAGTGGAGGATCTGACCAAAGAACAGTCGGAGAC[C>T]AGGAAGCAGGCTGAGAAGGACCGCTCAGCCCTGCTCTCCCAGATGAAGATTTTGGAGTCT-3'
Protein context (NP_006022.3, residues 1411-1431): VEDLTKEQSE[Thr1421=]RKQAEKDRSA

ClinVar aggregate classification (germline): Likely benign. Review status: criteria provided, single submitter (1 of 4 stars). 2 submissions from 2 submitters: Likely benign (1). 1 of the submissions does not count toward it. Last evaluated 2023-11-15.

Conditions:
PCNT-related disorder. Also called: PCNT-related condition.

Allele frequency attached by ClinVar (database versions not stated): gnomAD exomes below 0.00001; gnomAD 0.00001; TOPMed 0.00001.
gnomAD v4.1: 6 of 1,613,958 alleles (0.00037%); highest among the groups gnomAD compares: African/African-American, 0.0053%; no homozygotes.

Submissions (2):

Labcorp Genetics (formerly Invitae), Labcorp
Classification: Likely benign. Last evaluated: 2023-11-15. Review status: criteria provided, single submitter. Criteria: Invitae Variant Classification Sherloc (09022015). Collection method: clinical testing. Allele origin: germline.

PreventionGenetics, part of Exact Sciences
Classification: Likely benign for PCNT-related condition. Last evaluated: 2024-08-20. Review status: no assertion criteria provided. Collection method: clinical testing. Allele origin: germline. Not counted in ClinVar's aggregate classification.
Comment: This variant is classified as likely benign based on ACMG/AMP sequence variant interpretation guidelines (Richards et al. 2015 PMID: 25741868, with internal and published modifications).